The following is an entry in ClinVar:

NM_017721.5(CC2D1A):c.1545C>T (p.Asn515=)

Gene: CC2D1A (coiled-coil and C2 domain containing 1A; plus strand). Cytogenetic location: 19p13.12.
Variant type: single nucleotide variant.
Coding change: c.1545C>T on transcript NM_017721.5 (MANE Select); coding-DNA position 1545, C replaced by T.
Protein change: p.Asn515=; no amino-acid change (asparagine 515 retained).
Molecular consequence: synonymous variant.
Genome position (GRCh38, 1-based): chr19:13,920,826, C>T. VCF-style: chr19-13920826-C-T. GRCh37 (hg19) VCF-style: chr19-14031639-C-T.
Identifiers: ClinVar variation 434602 (VCV000434602.15), dbSNP rs370475551, ClinGen allele CA9244710.

ClinVar aggregate classification (germline): Likely benign. Review status: criteria provided, multiple submitters, no conflicts (2 of 4 stars). 5 submissions from 5 submitters: Likely benign (5). Last evaluated 2026-08-01.

Allele frequency attached by ClinVar (database versions not stated): gnomAD 0.00007; ExAC 0.00008; ESP Exome Variant Server 0.00008; TOPMed 0.00008; gnomAD exomes 0.00009 and 0.00010.
gnomAD v4.1: 154 of 1,614,154 alleles (0.0095%); highest among the groups gnomAD compares: East Asian, 0.022%; no homozygotes.

Submissions (5):

CeGaT Center for Human Genetics Tuebingen
Classification: Likely benign. Last evaluated: 2026-08-01. Review status: criteria provided, single submitter. Criteria: CeGaT Center For Human Genetics Tuebingen Variant Classification Criteria Version 2. Collection method: clinical testing. Allele origin: germline. Affected: yes. Observed: 1 variant allele.
Comment: CC2D1A: BP4, BP7

Laboratory of Genetics, Children's Clinical University Hospital Latvia
Classification: Likely benign. Last evaluated: 2025-02-16. Review status: criteria provided, single submitter. Criteria: ACMG Guidelines, 2015. Collection method: clinical testing. Allele origin: germline. Affected: yes.

Blueprint Genetics
Classification: Likely benign. Last evaluated: 2024-11-11. Review status: criteria provided, single submitter. Criteria: ACMG Guidelines, 2015. Collection method: clinical testing. Allele origin: germline.

Labcorp Genetics (formerly Invitae), Labcorp
Classification: Likely benign. Last evaluated: 2024-03-13. Review status: criteria provided, single submitter. Criteria: Invitae Variant Classification Sherloc (09022015). Collection method: clinical testing. Allele origin: germline.

Genetic Services Laboratory, University of Chicago
Classification: Likely benign. Last evaluated: 2016-02-01. Review status: criteria provided, single submitter. Criteria: ACMG Guidelines, 2015. Collection method: clinical testing. Allele origin: germline. Affected: no.